The following is an entry in ClinVar:

ClinVar aggregate classification (germline): Uncertain significance (1 of 4 stars; one submission).

Conditions:
Cardiomyopathy (CMYO). Also called: Cardiomyopathies. Identifiers: Orphanet 167848, MedGen C0878544, MONDO:0004994, HP:0001638. Inheritance: Various modes of inheritance.

Submission:

Color Diagnostics, LLC DBA Color Health
Classification: Uncertain significance for Cardiomyopathy. Last evaluated: 2024-03-07. Review status: criteria provided, single submitter. Criteria: ACMG Guidelines, 2015. Collection method: clinical testing. Allele origin: germline.
Comment: This missense variant replaces valine with leucine at codon 385 of the MYBPC3 protein. Computational prediction suggests that this variant may not impact protein structure and function (internally defined REVEL score threshold <= 0.5, PMID: 27666373). To our knowledge, functional studies have not been reported for this variant. This variant has not been reported in individuals affected with cardiovascular disorders in the literature. This variant has not been identified in the general population by the Genome Aggregation Database (gnomAD). The available evidence is insufficient to determine the role of this variant in disease conclusively. Therefore, this variant is classified as a Variant of Uncertain Significance.

NM_000256.3(MYBPC3):c.1153G>C (p.Val385Leu)

Gene: MYBPC3 (myosin binding protein C3; minus strand). Cytogenetic location: 11p11.2.
Variant type: single nucleotide variant.
Coding change: c.1153G>C on transcript NM_000256.3 (MANE Select); coding-DNA position 1153, G replaced by C.
Protein change: p.Val385Leu; replaces valine 385 with leucine.
Molecular consequence: missense variant.
Genome position (GRCh38, 1-based): chr11:47,343,562, C>G on the plus strand (G>C on the coding strand, the complement: MYBPC3 is on the minus strand). VCF-style: chr11-47343562-C-G. GRCh37 (hg19) VCF-style: chr11-47365113-C-G.
Other names: short protein forms V385L.
Identifiers: ClinVar variation 2773750 (VCV002773750.2), dbSNP rs772073491, ClinGen allele CA380328900.